The following is an entry in ClinVar:

NM_016222.4(DDX41):c.920T>G (p.Met307Arg)

Gene: DDX41 (DEAD-box helicase 41; minus strand). Cytogenetic location: 5q35.3.
Variant type: single nucleotide variant.
Coding change: c.920T>G on transcript NM_016222.4 (MANE Select); coding-DNA position 920, T replaced by G.
Protein change: p.Met307Arg; replaces methionine 307 with arginine.
Molecular consequence: missense variant.
Genome position (GRCh38, 1-based): chr5:177,514,716, A>C on the plus strand (T>G on the coding strand, the complement: DDX41 is on the minus strand). VCF-style: chr5-177514716-A-C. GRCh37 (hg19) VCF-style: chr5-176941717-A-C.
Other names: c.542T>G, p.Met181Arg (NM_001321732.2, NM_001321830.2); c.920T>G (NM_016222.2); short protein forms M307R, M181R.
Identifiers: ClinVar variation 2715762 (VCV002715762.4), dbSNP rs996454252, ClinGen allele CA132891889.

ClinVar aggregate classification (germline): Uncertain significance. Review status: criteria provided, multiple submitters, no conflicts (2 of 4 stars). 2 submissions from 2 submitters: Uncertain significance (2). Last evaluated 2025-02-05.

Conditions:
Inborn genetic diseases. Identifiers: MedGen C0950123, MeSH D030342.

Allele frequency attached by ClinVar (database versions not stated): gnomAD 0.00001.
gnomAD v4.1: 3 of 1,611,956 alleles (0.00019%); highest among the groups gnomAD compares: Admixed American, 0.005%; no homozygotes.

Submissions (2):

Ambry Genetics
Classification: Uncertain significance for Inborn genetic diseases. Last evaluated: 2025-02-05. Review status: criteria provided, single submitter. Criteria: Ambry Variant Classification Scheme 2023. Collection method: clinical testing. Allele origin: germline.
Comment: The p.M307R variant (also known as c.920T>G), located in coding exon 9 of the DDX41 gene, results from a T to G substitution at nucleotide position 920. The methionine at codon 307 is replaced by arginine, an amino acid with similar properties. This amino acid position is conserved. In addition, the in silico prediction for this alteration is inconclusive. Based on the available evidence, the clinical significance of this variant remains unclear.

Labcorp Genetics (formerly Invitae), Labcorp
Classification: Uncertain significance. Last evaluated: 2023-03-14. Review status: criteria provided, single submitter. Criteria: Invitae Variant Classification Sherloc (09022015). Collection method: clinical testing. Allele origin: germline.
Comment: This sequence change replaces methionine, which is neutral and non-polar, with arginine, which is basic and polar, at codon 307 of the DDX41 protein (p.Met307Arg). This variant is present in population databases (no rsID available, gnomAD 0.006%). This variant has not been reported in the literature in individuals affected with DDX41-related conditions. An algorithm developed to predict the effect of missense changes on protein structure and function (PolyPhen-2) suggests that this variant is likely to be tolerated. In summary, the available evidence is currently insufficient to determine the role of this variant in disease. Therefore, it has been classified as a Variant of Uncertain Significance.